The following is an entry in ClinVar:

NM_000642.3(AGL):c.801A>C (p.Lys267Asn)

Gene: AGL (amylo-alpha-1,6-glucosidase and 4-alpha-glucanotransferase; plus strand). Cytogenetic location: 1p21.2.
Variant type: single nucleotide variant.
Coding change: c.801A>C on transcript NM_000642.3 (MANE Select); coding-DNA position 801, A replaced by C.
Protein change: p.Lys267Asn; replaces lysine 267 with asparagine.
Molecular consequence: missense variant.
Genome position (GRCh38, 1-based): chr1:99,870,536, A>C. VCF-style: chr1-99870536-A-C. GRCh37 (hg19) VCF-style: chr1-100336092-A-C.
Other names: c.801A>C, p.Lys267Asn (NM_000028.3, NM_000643.3, NM_000644.3 and 3 more transcripts); c.753A>C, p.Lys251Asn (NM_000646.3); c.597A>C, p.Lys199Asn (NM_001425328.1, NM_001425329.1); c.423A>C, p.Lys141Asn (NM_001425332.1); short protein forms K251N, K267N, K141N, K199N.
Identifiers: ClinVar variation 1928504 (VCV001928504.5), dbSNP rs370970364, ClinGen allele CA341340143.

ClinVar aggregate classification (germline): Uncertain significance (1 of 4 stars; one submission).

Conditions:
Glycogen storage disease type III (GSD3). Also called: Cori disease; FORBES DISEASE. Identifiers: Orphanet 366, MedGen C0017922, MONDO:0009291, OMIM 232400.

gnomAD v4.1: 2 of 1,614,086 alleles (0.00012%); highest among the groups gnomAD compares: Non-Finnish European, 0.00017%; no homozygotes.

Submission:

Labcorp Genetics (formerly Invitae), Labcorp
Classification: Uncertain significance for Glycogen storage disease type III. Last evaluated: 2022-01-19. Review status: criteria provided, single submitter. Criteria: Invitae Variant Classification Sherloc (09022015). Collection method: clinical testing. Allele origin: germline.
Comment: This sequence change replaces lysine, which is basic and polar, with asparagine, which is neutral and polar, at codon 267 of the AGL protein (p.Lys267Asn). In summary, the available evidence is currently insufficient to determine the role of this variant in disease. Therefore, it has been classified as a Variant of Uncertain Significance. Algorithms developed to predict the effect of missense changes on protein structure and function (SIFT, PolyPhen-2, Align-GVGD) all suggest that this variant is likely to be tolerated. This variant has not been reported in the literature in individuals affected with AGL-related conditions. This variant is not present in population databases (gnomAD no frequency).